The following is an entry in ClinVar:

NM_001384140.1(PCDH15):c.3123-333A>G

Gene: PCDH15 (protocadherin related 15; minus strand). Cytogenetic location: 10q21.1.
Variant type: single nucleotide variant.
Coding change: c.3123-333A>G on transcript NM_001384140.1 (MANE Select); 333 bases into the intron before coding-DNA position 3123, A replaced by G.
Molecular consequence: intron variant.
Genome position (GRCh38, 1-based): chr10:53,941,308, T>C on the plus strand (A>G on the coding strand, the complement: PCDH15 is on the minus strand). VCF-style: chr10-53941308-T-C. GRCh37 (hg19) VCF-style: chr10-55701068-T-C.
Other names: c.3123-333A>G (NM_001354420.2, NM_001354429.2, NM_001142772.2 and 4 more transcripts); c.3138-333A>G (NM_001142771.2, NM_001142763.2); c.3144-333A>G (NM_001354411.2); c.3159-333A>G (NM_001142769.3); c.3057-333A>G (NM_001354404.2, NM_001142773.2, NM_001142768.2); c.3012-333A>G (NM_001142767.2); c.2910-333A>G (NM_001142765.2).
Identifiers: ClinVar variation 667956 (VCV000667956.1), dbSNP rs10825169, ClinGen allele CA13363647.

ClinVar aggregate classification (germline): Benign (1 of 4 stars; one submission).

Allele frequency attached by ClinVar (database versions not stated): gnomAD 0.57672 and 0.58184; TOPMed 0.58872; 1000 Genomes Project 30x 0.60993; 1000 Genomes Project 0.61661.
gnomAD v4.1: 88,610 of 151,918 alleles (58%); highest among the groups gnomAD compares: East Asian, 77%; 26,362 homozygotes.

Submission:

GeneDx
Classification: Benign. Last evaluated: 2018-06-14. Review status: criteria provided, single submitter. Criteria: GeneDx Variant Classification (06012015). Collection method: clinical testing. Allele origin: germline. Affected: yes.
Comment: This variant is considered likely benign or benign based on one or more of the following criteria: it is a conservative change, it occurs at a poorly conserved position in the protein, it is predicted to be benign by multiple in silico algorithms, and/or has population frequency not consistent with disease.